The following is an entry in ClinVar:

NM_001170629.2(CHD8):c.2373G>A (p.Pro791=)

Gene: CHD8 (chromodomain helicase DNA binding protein 8; minus strand). Cytogenetic location: 14q11.2.
Variant type: single nucleotide variant.
Coding change: c.2373G>A on transcript NM_001170629.2 (MANE Select); coding-DNA position 2373, G replaced by A.
Protein change: p.Pro791=; no amino-acid change (proline 791 retained).
Molecular consequence: synonymous variant.
Genome position (GRCh38, 1-based): chr14:21,408,817, C>T on the plus strand (G>A on the coding strand, the complement: CHD8 is on the minus strand). VCF-style: chr14-21408817-C-T. GRCh37 (hg19) VCF-style: chr14-21876976-C-T.
Other names: c.1536G>A, p.Pro512= (NM_020920.4).
Identifiers: ClinVar variation 588135 (VCV000588135.20), dbSNP rs61752838, ClinGen allele CA7091566.
Genomic context (GRCh38, chr14:21,408,817, plus strand): 5'-TAGCTGGTTTCTGTTTTTATATTCATGTGATAGCTCCAATTTCTTCCAGGCACTTGCCTG[C>T]GGACGATTCTAAAAAACAAGACGTTTGAATAAATGGAGTGGAGACATTATCAAAAGGTAA-3'
Protein context (NP_001164100.1, residues 781-801): RHPELKRVNR[Pro791=]QASAWKKLEL

ClinVar aggregate classification (germline): Benign/Likely benign. Review status: criteria provided, multiple submitters, no conflicts (2 of 4 stars). 5 submissions from 5 submitters: Benign (2); Likely benign (2). 1 of the submissions does not count toward it. Last evaluated 2026-01-01.

Conditions:
CHD8-related disorder. Also called: CHD8-related disorders; CHD8-related condition.
Inborn genetic diseases. Identifiers: MedGen C0950123, MeSH D030342.

Allele frequency attached by ClinVar (database versions not stated): gnomAD 0.00573 and 0.00607; ESP Exome Variant Server 0.00654; TOPMed 0.00658; 1000 Genomes Project 0.00679; 1000 Genomes Project 30x 0.00734.
gnomAD v4.1: 1,679 of 1,606,732 alleles (0.1%); highest among the groups gnomAD compares: African/African-American, 2%; 22 homozygotes.

Submissions (5):

Labcorp Genetics (formerly Invitae), Labcorp
Classification: Benign. Last evaluated: 2026-01-01. Review status: criteria provided, single submitter. Criteria: Invitae Variant Classification Sherloc (09022015). Collection method: clinical testing. Allele origin: germline.

GeneDx
Classification: Likely benign. Last evaluated: 2020-12-10. Review status: criteria provided, single submitter. Criteria: GeneDx Variant Classification Process June 2021. Collection method: clinical testing. Allele origin: germline. Affected: yes.

Ambry Genetics
Classification: Benign for Inborn genetic diseases. Last evaluated: 2016-08-05. Review status: criteria provided, single submitter. Criteria: Ambry Variant Classification Scheme 2023. Collection method: clinical testing. Allele origin: germline.

Breakthrough Genomics
Classification: Likely benign. Review status: criteria provided, single submitter. Criteria: ACMG Guidelines, 2015. Collection method: not provided. Allele origin: germline. Inheritance: Autosomal dominant inheritance. Affected: yes.

PreventionGenetics, part of Exact Sciences
Classification: Benign for CHD8-related condition. Last evaluated: 2024-01-18. Review status: no assertion criteria provided. Collection method: clinical testing. Allele origin: germline. Not counted in ClinVar's aggregate classification.
Comment: This variant is classified as benign based on ACMG/AMP sequence variant interpretation guidelines (Richards et al. 2015 PMID: 25741868, with internal and published modifications).